The following is an entry in ClinVar:

NM_003482.4(KMT2D):c.6465G>C (p.Ser2155=)

Gene: KMT2D (lysine methyltransferase 2D; minus strand). Cytogenetic location: 12q13.12.
Variant type: single nucleotide variant.
Coding change: c.6465G>C on transcript NM_003482.4 (MANE Select); coding-DNA position 6465, G replaced by C.
Protein change: p.Ser2155=; no amino-acid change (serine 2155 retained).
Molecular consequence: synonymous variant.
Genome position (GRCh38, 1-based): chr12:49,041,305, C>G on the plus strand (G>C on the coding strand, the complement: KMT2D is on the minus strand). VCF-style: chr12-49041305-C-G. GRCh37 (hg19) VCF-style: chr12-49435088-C-G.
Identifiers: ClinVar variation 3025139 (VCV003025139.22), dbSNP rs771164655, ClinGen allele CA479712525.

ClinVar aggregate classification (germline): Likely benign (1 of 4 stars; one submission).

gnomAD v4.1: 2 of 1,529,028 alleles (0.00013%); highest among the groups gnomAD compares: Non-Finnish European, 0.00018%; no homozygotes.

Submission:

CeGaT Center for Human Genetics Tuebingen
Classification: Likely benign. Last evaluated: 2024-01-01. Review status: criteria provided, single submitter. Criteria: CeGaT Center For Human Genetics Tuebingen Variant Classification Criteria Version 2. Collection method: clinical testing. Allele origin: germline. Affected: yes. Observed: 1 variant allele.
Comment: KMT2D: PM2:Supporting, BP4, BP7